The following is an entry in ClinVar:

NM_000127.3(EXT1):c.1664A>T (p.Asn555Ile)

Gene: EXT1 (exostosin glycosyltransferase 1; minus strand). Cytogenetic location: 8q24.11.
Variant type: single nucleotide variant.
Coding change: c.1664A>T on transcript NM_000127.3 (MANE Select); coding-DNA position 1664, A replaced by T.
Protein change: p.Asn555Ile; replaces asparagine 555 with isoleucine.
Molecular consequence: missense variant.
Genome position (GRCh38, 1-based): chr8:117,812,930, T>A on the plus strand (A>T on the coding strand, the complement: EXT1 is on the minus strand). VCF-style: chr8-117812930-T-A. GRCh37 (hg19) VCF-style: chr8-118825169-T-A.
Other names: short protein forms N555I.
Identifiers: ClinVar variation 2779579 (VCV002779579.3), dbSNP rs1392782817, ClinGen allele CA371881409.

ClinVar aggregate classification (germline): Uncertain significance (1 of 4 stars; one submission).

Conditions:
Multiple congenital exostosis (EXT). Also called: Hereditary multiple exostoses; Hereditary multiple exostosis; Multiple exostoses; MULTIPLE CARTILAGINOUS EXOSTOSES; Multiple osteochondromas; Hereditary multiple osteochondromas. Identifiers: Orphanet 321, MedGen C0015306, MONDO:0005508, HP:0002762.

Allele frequency attached by ClinVar (database versions not stated): gnomAD exomes below 0.00001; gnomAD 0.00001.
gnomAD v4.1: 5 of 1,613,726 alleles (0.00031%); highest among the groups gnomAD compares: South Asian, 0.0033%; no homozygotes.

Submission:

Labcorp Genetics (formerly Invitae), Labcorp
Classification: Uncertain significance for Multiple congenital exostosis. Last evaluated: 2023-01-10. Review status: criteria provided, single submitter. Criteria: Invitae Variant Classification Sherloc (09022015). Collection method: clinical testing. Allele origin: germline.
Comment: This sequence change replaces asparagine, which is neutral and polar, with isoleucine, which is neutral and non-polar, at codon 555 of the EXT1 protein (p.Asn555Ile). This variant is present in population databases (no rsID available, gnomAD 0.01%). This variant has not been reported in the literature in individuals affected with EXT1-related conditions. Advanced modeling of protein sequence and biophysical properties (such as structural, functional, and spatial information, amino acid conservation, physicochemical variation, residue mobility, and thermodynamic stability) performed at Invitae indicates that this missense variant is not expected to disrupt EXT1 protein function. In summary, the available evidence is currently insufficient to determine the role of this variant in disease. Therefore, it has been classified as a Variant of Uncertain Significance.